The following is an entry in ClinVar:

ClinVar aggregate classification (germline): Uncertain significance (1 of 4 stars; one submission).

Conditions:
Hereditary pancreatitis (PCTT). Also called: Hereditary chronic pancreatitis; PRSS1-Related Hereditary Pancreatitis. Identifiers: Orphanet 676, MedGen C0238339, MONDO:0008185, OMIM 167800.

Allele frequency attached by ClinVar (database versions not stated): gnomAD exomes below 0.00001; ExAC 0.00001.
gnomAD v4.1: 1 of 1,614,138 alleles (0.000062%); highest among the groups gnomAD compares: Non-Finnish European, 0.000085%; no homozygotes.

Submission:

Ambry Genetics
Classification: Uncertain significance for Hereditary pancreatitis. Last evaluated: 2024-08-07. Review status: criteria provided, single submitter. Criteria: Ambry Variant Classification Scheme 2023. Collection method: clinical testing. Allele origin: germline.
Comment: The p.N254S variant (also known as c.761A>G), located in coding exon 7 of the CPA1 gene, results from an A to G substitution at nucleotide position 761. The asparagine at codon 254 is replaced by serine, an amino acid with highly similar properties. This amino acid position is conserved. In addition, this alteration is predicted to be tolerated by in silico analysis. Since supporting evidence is limited at this time, the clinical significance of this alteration remains unclear.

NM_001868.4(CPA1):c.761A>G (p.Asn254Ser)

Gene: CPA1 (carboxypeptidase A1; plus strand). Cytogenetic location: 7q32.2.
Variant type: single nucleotide variant.
Coding change: c.761A>G on transcript NM_001868.4 (MANE Select); coding-DNA position 761, A replaced by G.
Protein change: p.Asn254Ser; replaces asparagine 254 with serine.
Molecular consequence: missense variant.
Genome position (GRCh38, 1-based): chr7:130,384,600, A>G. VCF-style: chr7-130384600-A-G. GRCh37 (hg19) VCF-style: chr7-130024441-A-G.
Other names: short protein forms N254S.
Identifiers: ClinVar variation 1759830 (VCV001759830.3), dbSNP rs782000958, ClinGen allele CA4484928.
Genomic context (GRCh38, chr7:130,384,600, plus strand): 5'-GCATGTGGCGCAAGACTCGGTCCCACACAGCAGGCTCCCTCTGTATTGGCGTGGACCCCA[A>G]CAGGAACTGGGACGCTGGCTTTGGGTGTAAGGCCCAGAGTGTCTTGGGAGCAAGGATGGG-3'
Protein context (NP_001859.1, residues 244-264): AGSLCIGVDP[Asn254Ser]RNWDAGFGLS